The following is an entry in ClinVar:

NM_002907.4(RECQL):c.143A>C (p.Gln48Pro)

Gene: RECQL (RecQ like helicase; minus strand). Cytogenetic location: 12p12.1.
Variant type: single nucleotide variant.
Coding change: c.143A>C on transcript NM_002907.4 (MANE Select); coding-DNA position 143, A replaced by C.
Protein change: p.Gln48Pro; replaces glutamine 48 with proline.
Molecular consequence: missense variant.
Genome position (GRCh38, 1-based): chr12:21,491,590, T>G on the plus strand (A>C on the coding strand, the complement: RECQL is on the minus strand). VCF-style: chr12-21491590-T-G. GRCh37 (hg19) VCF-style: chr12-21644524-T-G.
Other names: c.143A>C, p.Gln48Pro (NM_032941.3); short protein forms Q48P.
Identifiers: ClinVar variation 1772670 (VCV001772670.6), dbSNP rs1442442109, ClinGen allele CA384134424.

ClinVar aggregate classification (germline): Uncertain significance. Review status: criteria provided, multiple submitters, no conflicts (2 of 4 stars). 2 submissions from 2 submitters: Uncertain significance (2). Last evaluated 2024-06-23.

Allele frequency attached by ClinVar (database versions not stated): TOPMed below 0.00001; gnomAD 0.00002.
gnomAD v4.1: 6 of 1,613,748 alleles (0.00037%); highest among the groups gnomAD compares: African/African-American, 0.0067%; no homozygotes.

Submissions (2):

Ambry Genetics
Classification: Uncertain significance. Last evaluated: 2024-06-23. Review status: criteria provided, single submitter. Criteria: Ambry Variant Classification Scheme 2023. Collection method: clinical testing. Allele origin: germline.
Comment: The p.Q48P variant (also known as c.143A>C), located in coding exon 2 of the RECQL gene, results from an A to C substitution at nucleotide position 143. The glutamine at codon 48 is replaced by proline, an amino acid with similar properties. This amino acid position is conserved. In addition, the in silico prediction for this alteration is inconclusive. Since supporting evidence is limited at this time, the clinical significance of this alteration remains unclear.

Labcorp Genetics (formerly Invitae), Labcorp
Classification: Uncertain significance. Last evaluated: 2023-12-16. Review status: criteria provided, single submitter. Criteria: Invitae Variant Classification Sherloc (09022015). Collection method: clinical testing. Allele origin: germline.
Comment: This sequence change replaces glutamine, which is neutral and polar, with proline, which is neutral and non-polar, at codon 48 of the RECQL protein (p.Gln48Pro). This variant is present in population databases (no rsID available, gnomAD 0.007%). This variant has not been reported in the literature in individuals affected with RECQL-related conditions. ClinVar contains an entry for this variant (Variation ID: 1772670). An algorithm developed to predict the effect of missense changes on protein structure and function (PolyPhen-2) suggests that this variant is likely to be tolerated. In summary, the available evidence is currently insufficient to determine the role of this variant in disease. Therefore, it has been classified as a Variant of Uncertain Significance.